The following is an entry in ClinVar:

ClinVar aggregate classification (germline): Uncertain significance (1 of 4 stars; one submission).

Conditions:
Cardiovascular phenotype. Identifiers: MedGen CN230736.

Allele frequency attached by ClinVar (database versions not stated): gnomAD exomes 0.00001; ExAC 0.00002.
gnomAD v4.1: 3 of 1,613,894 alleles (0.00019%); highest among the groups gnomAD compares: East Asian, 0.0067%; no homozygotes.

Submission:

Ambry Genetics
Classification: Uncertain significance for Cardiovascular phenotype. Last evaluated: 2023-11-29. Review status: criteria provided, single submitter. Criteria: Ambry Variant Classification Scheme 2023. Collection method: clinical testing. Allele origin: germline.
Comment: The p.Q527E variant (also known as c.1579C>G), located in coding exon 8 of the AKAP9 gene, results from a C to G substitution at nucleotide position 1579. The glutamine at codon 527 is replaced by glutamic acid, an amino acid with highly similar properties. This amino acid position is conserved. In addition, this alteration is predicted to be tolerated by in silico analysis. Since supporting evidence is limited at this time, the clinical significance of this alteration remains unclear.

NM_005751.5(AKAP9):c.1579C>G (p.Gln527Glu)

Gene: AKAP9 (A-kinase anchoring protein 9; plus strand). Cytogenetic location: 7q21.2.
Variant type: single nucleotide variant.
Coding change: c.1579C>G on transcript NM_005751.5 (MANE Select); coding-DNA position 1579, C replaced by G.
Protein change: p.Gln527Glu; replaces glutamine 527 with glutamic acid.
Molecular consequence: missense variant.
Genome position (GRCh38, 1-based): chr7:92,001,496, C>G. VCF-style: chr7-92001496-C-G. GRCh37 (hg19) VCF-style: chr7-91630810-C-G.
Other names: c.1579C>G, p.Gln527Glu (NM_147185.3); short protein forms Q527E.
Identifiers: ClinVar variation 3225019 (VCV003225019.1), dbSNP rs754559990, ClinGen allele CA4336031.
Genomic context (GRCh38, chr7:92,001,496, plus strand): 5'-TCTCAAAAGGAAAAACTCAAGGAAGAACTAGGACTAATTTTAGAAGAAAAGTGTGCTCTA[C>G]AGAGACAGCTTGAAGACCTTGTTGAAGAATTGAGCTTTTCAAGGGAACAGATTCAGAGAG-3'
Protein context (NP_005742.4, residues 517-537): GLILEEKCAL[Gln527Glu]RQLEDLVEEL